The following is an entry in ClinVar:

NM_000094.4(COL7A1):c.3887G>C (p.Gly1296Ala)

Gene: COL7A1 (collagen type VII alpha 1 chain; minus strand). Cytogenetic location: 3p21.31.
Variant type: single nucleotide variant.
Coding change: c.3887G>C on transcript NM_000094.4 (MANE Select); coding-DNA position 3887, G replaced by C.
Protein change: p.Gly1296Ala; replaces glycine 1296 with alanine.
Molecular consequence: missense variant.
Genome position (GRCh38, 1-based): chr3:48,585,564, C>G on the plus strand (G>C on the coding strand, the complement: COL7A1 is on the minus strand). VCF-style: chr3-48585564-C-G. GRCh37 (hg19) VCF-style: chr3-48622997-C-G.
Other names: short protein forms G1296A.
Identifiers: ClinVar variation 4781333 (VCV004781333.1).

ClinVar aggregate classification (germline): Uncertain significance (1 of 4 stars; one submission).

Submission:

Labcorp Genetics (formerly Invitae), Labcorp
Classification: Uncertain significance. Last evaluated: 2025-12-06. Review status: criteria provided, single submitter. Criteria: Invitae Variant Classification Sherloc (09022015). Collection method: clinical testing. Allele origin: germline.
Comment: This sequence change replaces glycine, which is neutral and non-polar, with alanine, which is neutral and non-polar, at codon 1296 of the COL7A1 protein (p.Gly1296Ala). This variant is not present in population databases (gnomAD no frequency). This variant has not been reported in the literature in individuals affected with COL7A1-related conditions. Invitae Evidence Modeling of protein sequence and biophysical properties (such as structural, functional, and spatial information, amino acid conservation, physicochemical variation, residue mobility, and thermodynamic stability) has been performed for this missense variant. However, the output from this modeling did not meet the statistical confidence thresholds required to predict the impact of this variant on COL7A1 protein function. In summary, the available evidence is currently insufficient to determine the role of this variant in disease. Therefore, it has been classified as a Variant of Uncertain Significance.